The following is an entry in ClinVar:

ClinVar aggregate classification (germline): Uncertain significance (1 of 4 stars; one submission).

gnomAD v4.1: 1 of 1,614,152 alleles (0.000062%); highest among the groups gnomAD compares: South Asian, 0.0011%; no homozygotes.

Submission:

Labcorp Genetics (formerly Invitae), Labcorp
Classification: Uncertain significance. Last evaluated: 2025-07-14. Review status: criteria provided, single submitter. Criteria: Invitae Variant Classification Sherloc (09022015). Collection method: clinical testing. Allele origin: germline.
Comment: This sequence change replaces serine, which is neutral and polar, with proline, which is neutral and non-polar, at codon 459 of the NRIP1 protein (p.Ser459Pro). This variant is not present in population databases (gnomAD no frequency). This variant has not been reported in the literature in individuals affected with NRIP1-related conditions. An algorithm developed to predict the effect of missense changes on protein structure and function (PolyPhen-2) suggests that this variant is likely to be disruptive. In summary, the available evidence is currently insufficient to determine the role of this variant in disease. Therefore, it has been classified as a Variant of Uncertain Significance.

NM_003489.4(NRIP1):c.1375T>C (p.Ser459Pro)

Gene: NRIP1 (nuclear receptor interacting protein 1; minus strand). Cytogenetic location: 21q11.2.
Variant type: single nucleotide variant.
Coding change: c.1375T>C on transcript NM_003489.4 (MANE Select); coding-DNA position 1375, T replaced by C.
Protein change: p.Ser459Pro; replaces serine 459 with proline.
Molecular consequence: missense variant.
Genome position (GRCh38, 1-based): chr21:14,966,818, A>G on the plus strand (T>C on the coding strand, the complement: NRIP1 is on the minus strand). VCF-style: chr21-14966818-A-G. GRCh37 (hg19) VCF-style: chr21-16339139-A-G.
Other names: c.1375T>C, p.Ser459Pro (NM_001439286.1, NM_001439288.1, NM_001439275.1 and 10 more transcripts); short protein forms S459P.
Identifiers: ClinVar variation 4772560 (VCV004772560.1).
Genomic context (GRCh38, chr21:14,966,818, plus strand): 5'-CTACATCTGGGACTTTTGGATCCCAAGTGTTTAGCAAGGATTGAGTGAAGTTATCCAGGG[A>G]AACAGGTTGGTCAGATTCTGATTTTTCAGTTCGGTGTTTGCAAGACAAGTCTATGGGAAC-3'
Protein context (NP_003480.2, residues 449-469): TEKSESDQPV[Ser459Pro]LDNFTQSLLN